The following is an entry in ClinVar:

ClinVar aggregate classification (germline): Likely benign (1 of 4 stars; one submission).

Allele frequency attached by ClinVar (database versions not stated): 1000 Genomes Project 0.00060; 1000 Genomes Project 30x 0.00062; gnomAD 0.00102; TOPMed 0.00113; gnomAD exomes 0.00125; ExAC 0.00153.
gnomAD v4.1: 1,934 of 1,588,308 alleles (0.12%); highest among the groups gnomAD compares: Non-Finnish European, 0.15%; 1 homozygote.

Submission:

CeGaT Center for Human Genetics Tuebingen
Classification: Likely benign. Last evaluated: 2026-09-01. Review status: criteria provided, single submitter. Criteria: CeGaT Center For Human Genetics Tuebingen Variant Classification Criteria Version 2. Collection method: clinical testing. Allele origin: germline. Affected: yes. Observed: 2 variant alleles.
Comment: ANKRD36C: BP4, BP7

NM_001393982.1(ANKRD36C):c.6153A>G (p.Leu2051=)

Gene: ANKRD36C (ankyrin repeat domain 36C; minus strand). Cytogenetic location: 2q11.1.
Variant type: single nucleotide variant.
Coding change: c.6153A>G on transcript NM_001393982.1 (MANE Select); coding-DNA position 6153, A replaced by G.
Protein change: p.Leu2051=; no amino-acid change (leucine 2051 retained).
Molecular consequence: synonymous variant.
Genome position (GRCh38, 1-based): chr2:95,853,727, T>C on the plus strand (A>G on the coding strand, the complement: ANKRD36C is on the minus strand). VCF-style: chr2-95853727-T-C. GRCh37 (hg19) VCF-style: chr2-96519475-T-C.
Other names: c.6228A>G, p.Leu2076= (NM_001310154.3).
Identifiers: ClinVar variation 2651122 (VCV002651122.24), dbSNP rs201755982, ClinGen allele CA1773228.